The following is an entry in ClinVar:

ClinVar aggregate classification (germline): Uncertain significance (1 of 4 stars; one submission).

Conditions:
Cardiovascular phenotype. Identifiers: MedGen CN230736.

Allele frequency attached by ClinVar (database versions not stated): gnomAD exomes below 0.00001.

Submission:

Ambry Genetics
Classification: Uncertain significance for Cardiovascular phenotype. Last evaluated: 2022-04-03. Review status: criteria provided, single submitter. Criteria: Ambry Variant Classification Scheme 2023. Collection method: clinical testing. Allele origin: germline.
Comment: The p.D17N variant (also known as c.49G>A), located in coding exon 1 of the ZNF469 gene, results from a G to A substitution at nucleotide position 49. The aspartic acid at codon 17 is replaced by asparagine, an amino acid with highly similar properties. This amino acid position is conserved. In addition, this alteration is predicted to be tolerated by in silico analysis. Since supporting evidence is limited at this time, the clinical significance of this alteration remains unclear.

NM_001367624.2(ZNF469):c.49G>A (p.Asp17Asn)

Gene: ZNF469 (zinc finger protein 469; plus strand). Cytogenetic location: 16q24.2.
Variant type: single nucleotide variant.
Coding change: c.49G>A on transcript NM_001367624.2 (MANE Select); coding-DNA position 49, G replaced by A.
Protein change: p.Asp17Asn; replaces aspartic acid 17 with asparagine.
Molecular consequence: missense variant.
Genome position (GRCh38, 1-based): chr16:88,427,519, G>A. VCF-style: chr16-88427519-G-A. GRCh37 (hg19) VCF-style: chr16-88493927-G-A.
Other names: NM_001127464.1:c.49G>A; short protein forms D17N.
Identifiers: ClinVar variation 1744668 (VCV001744668.2), dbSNP rs2507569966, ClinGen allele CA397057602.
Genomic context (GRCh38, chr16:88,427,519, plus strand): 5'-GACGGAGGGGCCATGCCTGGGGAGCGCCCCCGAGGAGCGCCGCCCCCCACCATGACTGGA[G>A]ACCTGCAGCCCCGCCAAGTTGCCAGCAGCCCGGGGCACCCCTCCCAGCCGCCACTGGAGG-3'
Protein context (NP_001354553.1, residues 7-27): RGAPPPTMTG[Asp17Asn]LQPRQVASSP